The following is an entry in ClinVar:

ClinVar aggregate classification (germline): Uncertain significance (1 of 4 stars; one submission).

Conditions:
Hereditary pancreatitis (PCTT). Also called: Hereditary chronic pancreatitis; PRSS1-Related Hereditary Pancreatitis. Identifiers: Orphanet 676, MedGen C0238339, MONDO:0008185, OMIM 167800.

Submission:

Ambry Genetics
Classification: Uncertain significance for Hereditary pancreatitis. Last evaluated: 2026-08-23. Review status: criteria provided, single submitter. Criteria: Ambry Variant Classification Scheme 2023. Collection method: clinical testing. Allele origin: germline.
Comment: The p.E82G variant (also known as c.245A>G), located in coding exon 3 of the PRSS1 gene, results from an A to G substitution at nucleotide position 245. The glutamic acid at codon 82 is replaced by glycine, an amino acid with similar properties. This amino acid position is conserved. In addition, this alteration is predicted to be deleterious by in silico analysis. Based on the available evidence, the clinical significance of this variant remains unclear.

NM_002769.5(PRSS1):c.245A>G (p.Glu82Gly)

Genes: PRSS1 (serine protease 1; plus strand), TRB (T cell receptor beta locus; plus strand). Cytogenetic location: 7q34.
Variant type: single nucleotide variant.
Coding change: c.245A>G on transcript NM_002769.5 (MANE Select); coding-DNA position 245, A replaced by G.
Protein change: p.Glu82Gly; replaces glutamic acid 82 with glycine.
Molecular consequence: missense variant. On other transcripts: non-coding transcript variant (2).
Genome position (GRCh38, 1-based): chr7:142,751,818, A>G. VCF-style: chr7-142751818-A-G. GRCh37 (hg19) VCF-style: chr7-142459669-A-G.
Other names: short protein forms E82G.
Identifiers: ClinVar variation 5027395 (VCV005027395.1).
Genomic context (GRCh38, chr7:142,751,818, plus strand): 5'-CTGCCCTGCCCATCAGCCGCATCCAGGTGAGACTGGGAGAGCACAACATCGAAGTCCTGG[A>G]GGGGAATGAGCAGTTCATCAATGCAGCCAAGATCATCCGCCACCCCCAATACGACAGGAA-3'
Protein context (NP_002760.1, residues 72-92): RLGEHNIEVL[Glu82Gly]GNEQFINAAK